The following is an entry in ClinVar:

NC_000019.9:g.(?_12923877)_(12924280_?)del

Gene: RNASEH2A (ribonuclease H2 subunit A; plus strand). Cytogenetic location: 19p13.2.
Variant type: Deletion.
Identifiers: ClinVar variation 1450951 (VCV001450951.6).

ClinVar aggregate classification (germline): Uncertain significance (1 of 4 stars; one submission).

Conditions:
Aicardi-Goutieres syndrome 4. Identifiers: Orphanet 51, MedGen C1835912, MONDO:0012472, OMIM 610333.

Submission:

Labcorp Genetics (formerly Invitae), Labcorp
Classification: Uncertain significance for Aicardi-Goutieres syndrome 4. Last evaluated: 2022-03-30. Review status: criteria provided, single submitter. Criteria: Invitae Variant Classification Sherloc (09022015). Collection method: clinical testing. Allele origin: germline.
Comment: This variant is a gross deletion of the genomic region encompassing exon(s) 7-8 of the RNASEH2A gene, which includes the termination codon. This deletion extends beyond the assayed region for this gene and therefore may encompass additional genes. While this deletion is not anticipated to lead to nonsense mediated decay, it is expected to alter mRNA translation or result in a truncated protein product. This variant has not been reported in the literature in individuals affected with RNASEH2A-related conditions. In summary, the available evidence is currently insufficient to determine the role of this variant in disease. Therefore, it has been classified as a Variant of Uncertain Significance.